The following is an entry in ClinVar:

ClinVar aggregate classification (germline): Pathogenic (1 of 4 stars; one submission).

Conditions:
Cystic fibrosis (CF). Also called: MUCOVISCIDOSIS. Identifiers: Orphanet 586, MedGen C0010674, MONDO:0009061, OMIM 219700. Disease mechanism: loss of function.

Submission:

Labcorp Genetics (formerly Invitae), Labcorp
Classification: Pathogenic for Cystic fibrosis. Last evaluated: 2021-12-12. Review status: criteria provided, single submitter. Criteria: Invitae Variant Classification Sherloc (09022015). Collection method: clinical testing. Allele origin: germline.
Comment: This variant is also known as 2566 insT. This premature translational stop signal has been observed in individual(s) with cystic fibrosis (PMID: 8723695). This variant is not present in population databases (gnomAD no frequency). This sequence change creates a premature translational stop signal (p.Leu812Phefs*11) in the CFTR gene. It is expected to result in an absent or disrupted protein product. Loss-of-function variants in CFTR are known to be pathogenic (PMID: 1695717, 7691345, 9725922). For these reasons, this variant has been classified as Pathogenic.

Literature cited by the submitters: PubMed 8723695; PubMed 1695717; PubMed 7691345; PubMed 9725922.

NM_000492.4(CFTR):c.2435dup (p.Leu812fs)

Gene: CFTR (CF transmembrane conductance regulator; plus strand). Cytogenetic location: 7q31.2.
Variant type: Duplication.
Coding change: c.2435dup on transcript NM_000492.4 (MANE Select); coding-DNA position 2435, one base duplicated (T; older notation c.2435dupT).
Protein change: p.Leu812fs; shifts the reading frame from leucine 812.
Molecular consequence: frameshift variant.
Genome position (GRCh38, 1-based): chr7:117,592,602, T duplicated; the last of 2 consecutive T bases (chr7:117,592,601-117,592,602); duplicating either gives the same sequence. VCF-style (leftmost placement, unchanged base first): chr7-117592600-G-GT. GRCh37 (hg19) VCF-style: chr7-117232654-G-GT.
Other names: c.2434_2435insT (NM_000492.3); short protein forms L812fs.
Identifiers: ClinVar variation 1451980 (VCV001451980.5), dbSNP rs397508376, ClinGen allele CA326817.
Genomic context (GRCh38, chr7:117,592,600, plus strand): 5'-ACGAAAAGTGTCACTGGCCCCTCAGGCAAACTTGACTGAACTGGATATATATTCAAGAAG[G>GT]TTATCTCAAGAAACTGGCTTGGAAATAAGTGAAGAAATTAACGAAGAAGACTTAAAGGTA-3'